The following is an entry in ClinVar:

ClinVar aggregate classification (germline): Benign/Likely benign. Review status: criteria provided, multiple submitters, no conflicts (2 of 4 stars). 12 submissions from 12 submitters: Benign (2); Likely benign (6). 4 of the submissions do not count toward it. Last evaluated 2026-01-12.

Conditions:
Cardiovascular phenotype. Identifiers: MedGen CN230736.
Cardiomyopathy (CMYO). Also called: Cardiomyopathies. Identifiers: Orphanet 167848, MedGen C0878544, MONDO:0004994, HP:0001638. Inheritance: Various modes of inheritance.
Catecholaminergic polymorphic ventricular tachycardia 1. Also called: VENTRICULAR TACHYCARDIA, STRESS-INDUCED POLYMORPHIC 1; VENTRICULAR TACHYCARDIA, CATECHOLAMINERGIC POLYMORPHIC, 1, WITH OR WITHOUT ATRIAL DYSFUNCTION AND/OR DILATED CARDIOMYOPATHY; RYR2-Related Catecholaminergic Polymorphic Ventricular Tachycardia. Identifiers: Orphanet 3286, MedGen C1631597, MONDO:0011484, OMIM 604772.
Catecholaminergic polymorphic ventricular tachycardia (CVPT). Also called: Catecholamine-induced polymorphic ventricular tachycardia. Identifiers: Orphanet 3286, MedGen C5574922, MONDO:0017990.

Allele frequency attached by ClinVar (database versions not stated): gnomAD 0.00006; gnomAD exomes 0.00007 and 0.00010; ESP Exome Variant Server 0.00008; TOPMed 0.00008; ExAC 0.00009.
gnomAD v4.1: 110 of 1,613,568 alleles (0.0068%); highest among the groups gnomAD compares: Non-Finnish European, 0.0084%; no homozygotes.

Submissions (12):

Labcorp Genetics (formerly Invitae), Labcorp
Classification: Likely benign for Catecholaminergic polymorphic ventricular tachycardia 1. Last evaluated: 2026-01-12. Review status: criteria provided, single submitter. Criteria: Invitae Variant Classification Sherloc (09022015). Collection method: clinical testing. Allele origin: germline.

Women's Health and Genetics/Laboratory Corporation of America, LabCorp
Classification: Benign. Last evaluated: 2025-02-08. Review status: criteria provided, single submitter. Criteria: LabCorp Variant Classification Summary - May 2015. Collection method: clinical testing. Allele origin: germline.

All of Us Research Program, National Institutes of Health
Classification: Likely benign for Catecholaminergic polymorphic ventricular tachycardia. Last evaluated: 2024-01-11. Review status: criteria provided, single submitter. Criteria: ACMG Guidelines, 2015. Collection method: clinical testing. Allele origin: germline. Inheritance: Autosomal dominant inheritance. Observed: 29 variant alleles, 29 heterozygotes.
Comment: This study involves interpretation of variants in research participants for the purpose of population health screening. Participant phenotype was not available at the time of variant classification. Additional details can be found in publication PMID: 35346344, PMCID: PMC8962531

Blueprint Genetics
Classification: Likely benign. Last evaluated: 2023-09-22. Review status: criteria provided, single submitter. Criteria: ACMG Guidelines, 2015. Collection method: clinical testing. Allele origin: germline.

Color Diagnostics, LLC DBA Color Health
Classification: Likely benign for Cardiomyopathy. Last evaluated: 2018-10-30. Review status: criteria provided, single submitter. Criteria: ACMG Guidelines, 2015. Collection method: clinical testing. Allele origin: germline.

Ambry Genetics
Classification: Likely benign for Cardiovascular phenotype. Last evaluated: 2017-07-21. Review status: criteria provided, single submitter. Criteria: Ambry Variant Classification Scheme 2023. Collection method: clinical testing. Allele origin: germline.

Laboratory for Molecular Medicine, Mass General Brigham Personalized Medicine
Classification: Likely benign. Last evaluated: 2016-08-11. Review status: criteria provided, single submitter. Criteria: LMM Criteria. Collection method: clinical testing. Allele origin: germline. Observed: 1 variant allele.
Comment: p.Ser3224Ser in exon 68 of RYR2: This variant is not expected to have clinical s ignificance because it does not alter an amino acid residue and is not located w ithin the splice consensus sequence. It has been identified in 9/66684 European chromosomes by the Exome Aggregation Consortium (ExAC; dbSNP rs370740528).

GeneDx
Classification: Benign. Last evaluated: 2014-05-06. Review status: criteria provided, single submitter. Criteria: GeneDx Variant Classification (06012015). Collection method: clinical testing. Allele origin: germline. Affected: yes.
Comment: This variant is considered likely benign or benign based on one or more of the following criteria: it is a conservative change, it occurs at a poorly conserved position in the protein, it is predicted to be benign by multiple in silico algorithms, and/or has population frequency not consistent with disease.

Clinical Genetics DNA and cytogenetics Diagnostics Lab, Erasmus MC, Erasmus Medical Center
Classification: Likely benign. Review status: no assertion criteria provided. Collection method: clinical testing. Allele origin: germline. Affected: yes. Study: VKGL Data-share Consensus. Not counted in ClinVar's aggregate classification.

Clinical Genetics, Academic Medical Center
Classification: Benign. Review status: no assertion criteria provided. Collection method: clinical testing. Allele origin: germline. Affected: yes. Study: VKGL Data-share Consensus. Not counted in ClinVar's aggregate classification.

Diagnostic Laboratory, Department of Genetics, University Medical Center Groningen
Classification: Likely benign. Review status: no assertion criteria provided. Collection method: clinical testing. Allele origin: germline. Affected: yes. Study: VKGL Data-share Consensus. Not counted in ClinVar's aggregate classification.

Joint Genome Diagnostic Labs from Nijmegen and Maastricht, Radboudumc and MUMC+
Classification: Likely benign. Review status: no assertion criteria provided. Collection method: clinical testing. Allele origin: germline. Affected: yes. Study: VKGL Data-share Consensus. Not counted in ClinVar's aggregate classification.

NM_001035.3(RYR2):c.9672C>T (p.Ser3224=)

Gene: RYR2 (ryanodine receptor 2; plus strand). Cytogenetic location: 1q43.
Variant type: single nucleotide variant.
Coding change: c.9672C>T on transcript NM_001035.3 (MANE Select); coding-DNA position 9672, C replaced by T.
Protein change: p.Ser3224=; no amino-acid change (serine 3224 retained).
Molecular consequence: synonymous variant.
Genome position (GRCh38, 1-based): chr1:237,707,040, C>T. VCF-style: chr1-237707040-C-T. GRCh37 (hg19) VCF-style: chr1-237870340-C-T.
Other names: p.S3224S:TCC>TCT.
Identifiers: ClinVar variation 138951 (VCV000138951.34), dbSNP rs370740528, ClinGen allele CA011309.